The following is an entry in ClinVar:

NM_022841.7(RFX7):c.3155C>T (p.Pro1052Leu)

Gene: RFX7 (regulatory factor X7; minus strand). Cytogenetic location: 15q21.3.
Variant type: single nucleotide variant.
Coding change: c.3155C>T on transcript NM_022841.7 (MANE Select); coding-DNA position 3155, C replaced by T.
Protein change: p.Pro1052Leu; replaces proline 1052 with leucine.
Molecular consequence: missense variant.
Genome position (GRCh38, 1-based): chr15:56,094,573, G>A on the plus strand (C>T on the coding strand, the complement: RFX7 is on the minus strand). VCF-style: chr15-56094573-G-A. GRCh37 (hg19) VCF-style: chr15-56386771-G-A.
Other names: c.2864C>T, p.Pro955Leu (NM_001368073.2, NM_001368074.1, NM_001370554.1); c.3155C>T, p.Pro1052Leu (NM_001370561.1); short protein forms P1052L, P955L.
Identifiers: ClinVar variation 2530335 (VCV002530335.2), dbSNP rs2504986492, ClinGen allele CA392577536.
Genomic context (GRCh38, chr15:56,094,573, plus strand): 5'-ACCCCACTATACCCATTATTCATCCATTCAAGCTTGGTTTTGTCAGGGTGTGTGGCCATG[G>A]GTCTTTGCATCGGTTTCACAGGACTACTTGAGACAATGCTGGCGTCATGATATGCCATAC-3'
Protein context (NP_073752.6, residues 1042-1062): SSSPVKPMQR[Pro1052Leu]MATHPDKTKL

ClinVar aggregate classification (germline): Uncertain significance (1 of 4 stars; one submission).

Conditions:
Inborn genetic diseases. Identifiers: MedGen C0950123, MeSH D030342.

Submission:

Ambry Genetics
Classification: Uncertain significance for Inborn genetic diseases. Last evaluated: 2023-05-25. Review status: criteria provided, single submitter. Criteria: Ambry Variant Classification Scheme 2023. Collection method: clinical testing. Allele origin: germline.
Comment: The c.3155C>T (p.P1052L) alteration is located in exon 9 (coding exon 9) of the RFX7 gene. This alteration results from a C to T substitution at nucleotide position 3155, causing the proline (P) at amino acid position 1052 to be replaced by a leucine (L). This variant was not reported in population-based cohorts in the Genome Aggregation Database (gnomAD). This amino acid position is highly conserved in available vertebrate species. The in silico prediction for this alteration is inconclusive. Based on insufficient or conflicting evidence, the clinical significance of this alteration remains unclear.